The following is an entry in ClinVar:

ClinVar aggregate classification (germline): Uncertain significance. Review status: criteria provided, multiple submitters, no conflicts (2 of 4 stars). 2 submissions from 2 submitters: Uncertain significance (2). Last evaluated 2025-03-19.

Conditions:
Blepharophimosis - intellectual disability syndrome, SBBYS type (SBBYSS). Also called: Say-Barber-Biesecker variant of Ohdo syndrome (SBBYSS); Say-Barber-Biesecker-Young-Simpson variant of Ohdo Syndrome; Say-Barber-Biesecker Variant of Ohdo Syndrome; Young Simpson syndrome; Mental retardation unusual facies hypothyroidism; Ohdo syndrome, SBBYS variant. Identifiers: Orphanet 3047, MedGen C1863557, MONDO:0011365, OMIM 603736.
Genitopatellar syndrome (GTPTS). Also called: Genitopatellar syndrome (GPS); ABSENT PATELLAE, SCROTAL HYPOPLASIA, RENAL ANOMALIES, FACIAL DYSMORPHISM, AND MENTAL RETARDATION. Identifiers: Orphanet 85201, MedGen C1853566, MONDO:0011640, OMIM 606170.

Allele frequency attached by ClinVar (database versions not stated): gnomAD exomes 0.00001.
gnomAD v4.1: 12 of 1,613,788 alleles (0.00074%); highest among the groups gnomAD compares: South Asian, 0.0011%; no homozygotes.

Submissions (2):

Labcorp Genetics (formerly Invitae), Labcorp
Classification: Uncertain significance for Genitopatellar syndrome. Last evaluated: 2025-03-19. Review status: criteria provided, single submitter. Criteria: Invitae Variant Classification Sherloc (09022015). Collection method: clinical testing. Allele origin: germline.
Comment: This sequence change replaces arginine, which is basic and polar, with glutamine, which is neutral and polar, at codon 783 of the KAT6B protein (p.Arg783Gln). This variant is present in population databases (no rsID available, gnomAD 0.007%). This missense change has been observed in individual(s) with a neurodevelopmental disorder (PMID: 33004838). ClinVar contains an entry for this variant (Variation ID: 2050726). Invitae Evidence Modeling of protein sequence and biophysical properties (such as structural, functional, and spatial information, amino acid conservation, physicochemical variation, residue mobility, and thermodynamic stability) indicates that this missense variant is not expected to disrupt KAT6B protein function with a negative predictive value of 80%. In summary, the available evidence is currently insufficient to determine the role of this variant in disease. Therefore, it has been classified as a Variant of Uncertain Significance.

Fulgent Genetics
Classification: Uncertain significance for Blepharophimosis - intellectual disability syndrome, SBBYS type; Genitopatellar syndrome. Last evaluated: 2024-06-17. Review status: criteria provided, single submitter. Criteria: ACMG Guidelines, 2015. Collection method: clinical testing. Allele origin: germline.

Literature cited by the submitters: PubMed 33004838 (cited by Labcorp Genetics (formerly Invitae), Labcorp).

NM_012330.4(KAT6B):c.2348G>A (p.Arg783Gln)

Gene: KAT6B (lysine acetyltransferase 6B; plus strand). Cytogenetic location: 10q22.2.
Variant type: single nucleotide variant.
Coding change: c.2348G>A on transcript NM_012330.4 (MANE Select); coding-DNA position 2348, G replaced by A.
Protein change: p.Arg783Gln; replaces arginine 783 with glutamine.
Molecular consequence: missense variant. On other transcripts: intron variant (2).
Genome position (GRCh38, 1-based): chr10:74,981,903, G>A. VCF-style: chr10-74981903-G-A. GRCh37 (hg19) VCF-style: chr10-76741661-G-A.
Other names: c.1472G>A, p.Arg491Gln (NM_001256469.2, NM_001370132.1, NM_001370139.1 and 3 more transcripts); c.425G>A, p.Arg142Gln (NM_001370134.1); c.2348G>A, p.Arg783Gln (NM_001370136.1, NM_001370137.1); c.1799G>A, p.Arg600Gln (NM_001370138.1, NM_001256468.2); c.1283G>A, p.Arg428Gln (NM_001370143.1, NM_001370144.1); c.847-7116G>A (NM_001370133.1); c.193-7116G>A (NM_001370135.1); short protein forms R428Q, R600Q, R783Q, R142Q, R491Q.
Identifiers: ClinVar variation 2050726 (VCV002050726.5), dbSNP rs1405330923, ClinGen allele CA377293118.